The following is an entry in ClinVar:

NM_003924.4(PHOX2B):c.853G>C (p.Asp285His)

Gene: PHOX2B (paired like homeobox 2B; minus strand). Cytogenetic location: 4p13.
Variant type: single nucleotide variant.
Coding change: c.853G>C on transcript NM_003924.4 (MANE Select); coding-DNA position 853, G replaced by C.
Protein change: p.Asp285His; replaces aspartic acid 285 with histidine.
Molecular consequence: missense variant.
Genome position (GRCh38, 1-based): chr4:41,745,899, C>G on the plus strand (G>C on the coding strand, the complement: PHOX2B is on the minus strand). VCF-style: chr4-41745899-C-G. GRCh37 (hg19) VCF-style: chr4-41747916-C-G.
Other names: short protein forms D285H.
Identifiers: ClinVar variation 3931862 (VCV003931862.1).

ClinVar aggregate classification (germline): Uncertain significance (1 of 4 stars; one submission).

Conditions:
Hereditary cancer-predisposing syndrome. Also called: Tumor predisposition; Hereditary neoplastic syndrome; Hereditary Cancer Syndrome; Neoplastic Syndromes, Hereditary. Identifiers: Orphanet 140162, MedGen C0027672, MeSH D009386, MONDO:0015356.

gnomAD v4.1: 1 of 1,607,688 alleles (0.000062%); highest among the groups gnomAD compares: African/African-American, 0.0013%; no homozygotes.

Submission:

Ambry Genetics
Classification: Uncertain significance for Hereditary cancer-predisposing syndrome. Last evaluated: 2025-06-13. Review status: criteria provided, single submitter. Criteria: Ambry Variant Classification Scheme 2023. Collection method: clinical testing. Allele origin: germline.
Comment: The p.D285H variant (also known as c.853G>C), located in coding exon 3 of the PHOX2B gene, results from a G to C substitution at nucleotide position 853. The aspartic acid at codon 285 is replaced by histidine, an amino acid with similar properties. This amino acid position is conserved. In addition, the in silico prediction for this alteration is inconclusive. Based on the available evidence, the clinical significance of this variant remains unclear.